The following is an entry in ClinVar:

ClinVar aggregate classification (germline): Conflicting classifications of pathogenicity. Review status: criteria provided, conflicting classifications (1 of 4 stars). 2 submissions from 2 submitters: Uncertain significance (1); Benign (1). Last evaluated 2025-09-01.

gnomAD v4.1: 8,027 of 1,613,364 alleles (0.5%); highest among the groups gnomAD compares: Non-Finnish European, 0.63%; 40 homozygotes.

Submissions (2):

CeGaT Center for Human Genetics Tuebingen
Classification: Benign. Last evaluated: 2025-09-01. Review status: criteria provided, single submitter. Criteria: CeGaT Center For Human Genetics Tuebingen Variant Classification Criteria Version 2. Collection method: clinical testing. Allele origin: germline. Affected: yes. Observed: 2 variant alleles.
Comment: MUC5B: BP4, BS1, BS2

Ambry Genetics
Classification: Uncertain significance. Last evaluated: 2025-07-31. Review status: criteria provided, single submitter. Criteria: Ambry Variant Classification Scheme 2023. Collection method: clinical testing. Allele origin: germline.

NM_002458.3(MUC5B):c.6077C>T (p.Thr2026Met)

Genes: MUC5B (mucin 5B, oligomeric mucus/gel-forming; plus strand), MUC5B-AS1 (MUC5B antisense RNA 1; minus strand). Cytogenetic location: 11p15.5.
Variant type: single nucleotide variant.
Coding change: c.6077C>T on transcript NM_002458.3 (MANE Select); coding-DNA position 6077, C replaced by T.
Protein change: p.Thr2026Met; replaces threonine 2026 with methionine.
Molecular consequence: missense variant.
Genome position (GRCh38, 1-based): chr11:1,242,957, C>T. VCF-style: chr11-1242957-C-T. GRCh37 (hg19) VCF-style: chr11-1264187-C-T.
Other names: c.6077C>T (NM_002458.2); short protein forms T2026M.
Identifiers: ClinVar variation 3388208 (VCV003388208.15).
Genomic context (GRCh38, chr11:1,242,957, plus strand): 5'-CCACAGCCACACCCTCCTCCACTCCAGAGACTGCCCACACCTCCACAGTGCTTACCGCCA[C>T]GGCCACCACAACTGGGGCCACCGGCTCTGTGGCCACCCCCTCCTCCACCCCAGGAACAGC-3'
Protein context (NP_002449.2, residues 2016-2036): TAHTSTVLTA[Thr2026Met]ATTTGATGSV